The following is an entry in ClinVar:

ClinVar aggregate classification (germline): Uncertain significance. Review status: criteria provided, multiple submitters, no conflicts (2 of 4 stars). 2 submissions from 2 submitters: Uncertain significance (2). Last evaluated 2023-09-12.

Allele frequency attached by ClinVar (database versions not stated): gnomAD exomes below 0.00001 and 0.00002; ExAC 0.00002; TOPMed 0.00002; gnomAD 0.00004; ESP Exome Variant Server 0.00008.

Submissions (2):

Ambry Genetics
Classification: Uncertain significance. Last evaluated: 2023-09-12. Review status: criteria provided, single submitter. Criteria: Ambry Variant Classification Scheme 2023. Collection method: clinical testing. Allele origin: germline.

Labcorp Genetics (formerly Invitae), Labcorp
Classification: Uncertain significance. Last evaluated: 2021-07-08. Review status: criteria provided, single submitter. Criteria: Invitae Variant Classification Sherloc (09022015). Collection method: clinical testing. Allele origin: germline.
Comment: In summary, the available evidence is currently insufficient to determine the role of this variant in disease. Therefore, it has been classified as a Variant of Uncertain Significance. This sequence change replaces aspartic acid with glycine at codon 13 of the MCM5 protein (p.Asp13Gly). The aspartic acid residue is moderately conserved and there is a moderate physicochemical difference between aspartic acid and glycine. This variant is present in population databases (rs141005002, ExAC 0.003%). This variant has not been reported in the literature in individuals affected with MCM5-related conditions. Algorithms developed to predict the effect of missense changes on protein structure and function (SIFT, PolyPhen-2, Align-GVGD) all suggest that this variant is likely to be tolerated.

NM_006739.4(MCM5):c.38A>G (p.Asp13Gly)

Gene: MCM5 (minichromosome maintenance complex component 5; plus strand). Cytogenetic location: 22q12.3.
Variant type: single nucleotide variant.
Coding change: c.38A>G on transcript NM_006739.4 (MANE Select); coding-DNA position 38, A replaced by G.
Protein change: p.Asp13Gly; replaces aspartic acid 13 with glycine.
Molecular consequence: missense variant.
Genome position (GRCh38, 1-based): chr22:35,400,476, A>G. VCF-style: chr22-35400476-A-G. GRCh37 (hg19) VCF-style: chr22-35796469-A-G.
Other names: c.38A>G (NM_006739.3); short protein forms D13G.
Identifiers: ClinVar variation 1480570 (VCV001480570.9), dbSNP rs141005002, ClinGen allele CA10204896.